The following is an entry in ClinVar:

NM_000051.4(ATM):c.3888T>C (p.Pro1296=)

Gene: ATM (ATM serine/threonine kinase; plus strand). Cytogenetic location: 11q22.3.
Variant type: single nucleotide variant.
Coding change: c.3888T>C on transcript NM_000051.4 (MANE Select); coding-DNA position 3888, T replaced by C.
Protein change: p.Pro1296=; no amino-acid change (proline 1296 retained).
Molecular consequence: synonymous variant.
Genome position (GRCh38, 1-based): chr11:108,284,368, T>C. VCF-style: chr11-108284368-T-C. GRCh37 (hg19) VCF-style: chr11-108155095-T-C.
Other names: c.3888T>C, p.Pro1296= (NM_001351834.2).
Identifiers: ClinVar variation 512281 (VCV000512281.11), dbSNP rs1555093582, ClinGen allele CA476745088.

ClinVar aggregate classification (germline): Benign/Likely benign. Review status: criteria provided, multiple submitters, no conflicts (2 of 4 stars). 4 submissions from 4 submitters: Benign (1); Likely benign (3). Last evaluated 2025-06-25.

Conditions:
Hereditary cancer-predisposing syndrome. Also called: Hereditary Cancer Syndrome; Tumor predisposition; Neoplastic Syndromes, Hereditary; Hereditary neoplastic syndrome. Identifiers: Orphanet 140162, MedGen C0027672, MeSH D009386, MONDO:0015356.
Familial cancer of breast. Also called: BREAST CANCER, FAMILIAL; Hereditary breast cancer; hereditary breast carcinoma. Identifiers: Orphanet 227535, MedGen C0346153, MONDO:0016419, OMIM 114480. Disease mechanism: loss of function.
Ataxia-telangiectasia syndrome (AT). Also called: Cerebello-oculocutaneous telangiectasia; Immunodeficiency with ataxia telangiectasia; AT, COMPLEMENTATION GROUP C; Ataxia-telangiectasia, complementation group D; LOUIS-BAR SYNDROME; Ataxia-telangiectasia, complementation group E. Identifiers: Orphanet 100, MedGen C0004135, MONDO:0008840, OMIM 208900.

Allele frequency attached by ClinVar (database versions not stated): gnomAD exomes below 0.00001.
gnomAD v4.1: 1 of 1,614,046 alleles (0.000062%); highest among the groups gnomAD compares: Non-Finnish European, 0.000085%; no homozygotes.

Submissions (4):

Labcorp Genetics (formerly Invitae), Labcorp
Classification: Likely benign for Ataxia-telangiectasia syndrome. Last evaluated: 2025-06-25. Review status: criteria provided, single submitter. Criteria: Invitae Variant Classification Sherloc (09022015). Collection method: clinical testing. Allele origin: germline.

Ambry Genetics
Classification: Likely benign for Hereditary cancer-predisposing syndrome. Last evaluated: 2024-11-27. Review status: criteria provided, single submitter. Criteria: Ambry Variant Classification Scheme 2023. Collection method: clinical testing. Allele origin: germline.

Myriad Genetics, Inc.
Classification: Benign for Familial cancer of breast. Last evaluated: 2024-05-15. Review status: criteria provided, single submitter. Criteria: Myriad Autosomal Dominant, Autosomal Recessive and X-Linked Classification Criteria (2023). Collection method: clinical testing. Allele origin: unknown.
Comment: This variant is considered benign. This variant is a silent/synonymous amino acid change and it is not expected to impact splicing.

GeneDx
Classification: Likely benign. Last evaluated: 2017-09-22. Review status: criteria provided, single submitter. Criteria: GeneDx Variant Classification (06012015). Collection method: clinical testing. Allele origin: germline. Affected: yes.
Comment: This variant is considered likely benign or benign based on one or more of the following criteria: it is a conservative change, it occurs at a poorly conserved position in the protein, it is predicted to be benign by multiple in silico algorithms, and/or has population frequency not consistent with disease.